The following is an entry in ClinVar:

ClinVar aggregate classification (germline): Likely benign. Review status: criteria provided, multiple submitters, no conflicts (2 of 4 stars). 2 submissions from 2 submitters: Likely benign (2). Last evaluated 2026-07-27.

Conditions:
Peroxisome biogenesis disorder 11A (Zellweger). Also called: Peroxisome biogenesis disorder 11A. Identifiers: Orphanet 912, MedGen C3554000, MONDO:0013949, OMIM 614883.
PEX13-related disorder. Also called: PEX13-related disorders; PEX13-related condition.

Allele frequency attached by ClinVar (database versions not stated): gnomAD exomes below 0.00001; gnomAD 0.00001; TOPMed 0.00001.
gnomAD v4.1: 4 of 1,611,832 alleles (0.00025%); highest among the groups gnomAD compares: African/African-American, 0.004%; no homozygotes.

Submissions (2):

PreventionGenetics, part of Exact Sciences
Classification: Likely benign for PEX13-related condition. Last evaluated: 2026-07-27. Review status: criteria provided, single submitter. Criteria: ACMG Guidelines, 2015. Collection method: clinical testing. Allele origin: germline.
Comment: This variant is classified as likely benign based on ACMG/AMP sequence variant interpretation guidelines (Richards et al. 2015 PMID: 25741868, with internal and published modifications).

Labcorp Genetics (formerly Invitae), Labcorp
Classification: Likely benign for Peroxisome biogenesis disorder 11A (Zellweger). Last evaluated: 2026-01-26. Review status: criteria provided, single submitter. Criteria: Invitae Variant Classification Sherloc (09022015). Collection method: clinical testing. Allele origin: germline.

NM_002618.4(PEX13):c.788-8G>A

Gene: PEX13 (peroxisomal biogenesis factor 13; plus strand). Cytogenetic location: 2p15.
Variant type: single nucleotide variant.
Coding change: c.788-8G>A on transcript NM_002618.4 (MANE Select); 8 bases into the intron before coding-DNA position 788, G replaced by A.
Molecular consequence: intron variant.
Genome position (GRCh38, 1-based): chr2:61,045,718, G>A. VCF-style: chr2-61045718-G-A. GRCh37 (hg19) VCF-style: chr2-61272853-G-A.
Other names: c.788-8G>A (NM_002618.3).
Identifiers: ClinVar variation 1642754 (VCV001642754.9), dbSNP rs1680695333, ClinGen allele CA1031317897.